The following is an entry in ClinVar:

ClinVar aggregate classification (germline): Uncertain significance (1 of 4 stars; one submission).

Submission:

Labcorp Genetics (formerly Invitae), Labcorp
Classification: Uncertain significance. Last evaluated: 2024-12-16. Review status: criteria provided, single submitter. Criteria: Invitae Variant Classification Sherloc (09022015). Collection method: clinical testing. Allele origin: germline.
Comment: This sequence change replaces glutamic acid, which is acidic and polar, with aspartic acid, which is acidic and polar, at codon 291 of the USH1G protein (p.Glu291Asp). This variant is not present in population databases (gnomAD no frequency). This variant has not been reported in the literature in individuals affected with USH1G-related conditions. ClinVar contains an entry for this variant (Variation ID: 1009539). Invitae Evidence Modeling of protein sequence and biophysical properties (such as structural, functional, and spatial information, amino acid conservation, physicochemical variation, residue mobility, and thermodynamic stability) indicates that this missense variant is not expected to disrupt USH1G protein function with a negative predictive value of 80%. In summary, the available evidence is currently insufficient to determine the role of this variant in disease. Therefore, it has been classified as a Variant of Uncertain Significance.

NM_173477.5(USH1G):c.873G>C (p.Glu291Asp)

Gene: USH1G (USH1 protein network component sans; minus strand). Cytogenetic location: 17q25.1.
Variant type: single nucleotide variant.
Coding change: c.873G>C on transcript NM_173477.5 (MANE Select); coding-DNA position 873, G replaced by C.
Protein change: p.Glu291Asp; replaces glutamic acid 291 with aspartic acid.
Molecular consequence: missense variant.
Genome position (GRCh38, 1-based): chr17:74,919,963, C>G on the plus strand (G>C on the coding strand, the complement: USH1G is on the minus strand). VCF-style: chr17-74919963-C-G. GRCh37 (hg19) VCF-style: chr17-72916058-C-G.
Other names: c.564G>C, p.Glu188Asp (NM_001282489.3); short protein forms E188D, E291D.
Identifiers: ClinVar variation 1009539 (VCV001009539.6), dbSNP rs2038916572, ClinGen allele CA400962824.